The following is an entry in ClinVar:

NM_001875.5(CPS1):c.2134A>G (p.Ile712Val)

Gene: CPS1 (carbamoyl-phosphate synthase 1; plus strand). Cytogenetic location: 2q34.
Variant type: single nucleotide variant.
Coding change: c.2134A>G on transcript NM_001875.5 (MANE Select); coding-DNA position 2134, A replaced by G.
Protein change: p.Ile712Val; replaces isoleucine 712 with valine.
Molecular consequence: missense variant. On other transcripts: non-coding transcript variant (2).
Genome position (GRCh38, 1-based): chr2:210,606,883, A>G. VCF-style: chr2-210606883-A-G. GRCh37 (hg19) VCF-style: chr2-211471607-A-G.
Other names: c.2134A>G, p.Ile712Val (NM_001122633.3, NM_001369257.1); c.2167A>G, p.Ile723Val (NM_001369256.1); short protein forms I723V, I712V.
Identifiers: ClinVar variation 2063153 (VCV002063153.1), dbSNP rs2469169633, ClinGen allele CA350439114.

ClinVar aggregate classification (germline): Uncertain significance (1 of 4 stars; one submission).

Conditions:
Congenital hyperammonemia, type I. Also called: CPS I DEFICIENCY; Carbamoyl phosphate synthetase 1 deficiency; Hyperammonemia due to carbamoyl phosphate synthetase 1 deficiency; CPS 1 deficiency; Carbamyl phosphate synthetase (CPS) deficiency; Carbamoyl-phosphate synthase I deficiency. Identifiers: Orphanet 147, MedGen C4082171, MONDO:0009376, OMIM 237300.

Allele frequency attached by ClinVar (database versions not stated): gnomAD exomes below 0.00001.
gnomAD v4.1: 1 of 1,612,646 alleles (0.000062%); highest among the groups gnomAD compares: Non-Finnish European, 0.000085%; no homozygotes.

Submission:

Labcorp Genetics (formerly Invitae), Labcorp
Classification: Uncertain significance for Congenital hyperammonemia, type I. Last evaluated: 2021-12-27. Review status: criteria provided, single submitter. Criteria: Invitae Variant Classification Sherloc (09022015). Collection method: clinical testing. Allele origin: germline.
Comment: This sequence change replaces isoleucine, which is neutral and non-polar, with valine, which is neutral and non-polar, at codon 712 of the CPS1 protein (p.Ile712Val). This variant is not present in population databases (gnomAD no frequency). This variant has not been reported in the literature in individuals affected with CPS1-related conditions. Algorithms developed to predict the effect of missense changes on protein structure and function (SIFT, PolyPhen-2, Align-GVGD) all suggest that this variant is likely to be tolerated. In summary, the available evidence is currently insufficient to determine the role of this variant in disease. Therefore, it has been classified as a Variant of Uncertain Significance.